The following is an entry in ClinVar:

NM_001365951.3(KIF1B):c.5174T>C (p.Val1725Ala)

Gene: KIF1B (kinesin family member 1B; plus strand). Cytogenetic location: 1p36.22.
Variant type: single nucleotide variant.
Coding change: c.5174T>C on transcript NM_001365951.3 (MANE Select); coding-DNA position 5174, T replaced by C.
Protein change: p.Val1725Ala; replaces valine 1725 with alanine.
Molecular consequence: missense variant.
Genome position (GRCh38, 1-based): chr1:10,374,931, T>C. VCF-style: chr1-10374931-T-C. GRCh37 (hg19) VCF-style: chr1-10434989-T-C.
Other names: c.5174T>C, p.Val1725Ala (NM_001365952.1); c.5036T>C, p.Val1679Ala (NM_015074.3); short protein forms V1725A, V1679A.
Identifiers: ClinVar variation 3534070 (VCV003534070.1).

ClinVar aggregate classification (germline): Uncertain significance (1 of 4 stars; one submission).

Submission:

Ambry Genetics
Classification: Uncertain significance. Last evaluated: 2024-11-03. Review status: criteria provided, single submitter. Criteria: Ambry Variant Classification Scheme 2023. Collection method: clinical testing. Allele origin: germline.
Comment: The p.V1679A variant (also known as c.5036T>C), located in coding exon 44 of the KIF1B gene, results from a T to C substitution at nucleotide position 5036. The valine at codon 1679 is replaced by alanine, an amino acid with similar properties. This amino acid position is conserved. In addition, this alteration is predicted to be deleterious by in silico analysis. Based on the available evidence, the clinical significance of this variant remains unclear.